The following is an entry in ClinVar:

NM_003611.3(OFD1):c.109A>G (p.Lys37Glu)

Genes: OFD1 (OFD1 centriole and centriolar satellite protein; plus strand), LOC126863212 (CDK7 strongly-dependent group 2 enhancer GRCh37_chrX:13752241-13753440; plus strand). Cytogenetic location: Xp22.2.
Variant type: single nucleotide variant.
Coding change: c.109A>G on transcript NM_003611.3 (MANE Select); coding-DNA position 109, A replaced by G.
Protein change: p.Lys37Glu; replaces lysine 37 with glutamic acid.
Molecular consequence: missense variant. On other transcripts: 5 prime UTR variant (1).
Genome position (GRCh38, 1-based): chrX:13,735,344, A>G. VCF-style: chrX-13735344-A-G. GRCh37 (hg19) VCF-style: chrX-13753463-A-G.
Other names: c.109A>G, p.Lys37Glu (NM_001330209.2); c.-437A>G (NM_001330210.2); short protein forms K37E.
Identifiers: ClinVar variation 1374119 (VCV001374119.6), dbSNP rs2146904853, ClinGen allele CA412331928.

ClinVar aggregate classification (germline): Uncertain significance (1 of 4 stars; one submission).

Conditions:
Joubert syndrome. Also called: CEREBELLOPARENCHYMAL DISORDER IV; JOUBERT-BOLTSHAUSER SYNDROME; Familial aplasia of the vermis. Identifiers: Orphanet 475, MedGen C5979921, MONDO:0018772.
Orofaciodigital syndrome I (OFD1). Also called: OFDS I; Papillon-Leage and Psaume Syndrome; Oral-Facial-Digital Syndrome Type I. Identifiers: Orphanet 2750, MedGen C1510460, MONDO:0010702, OMIM 311200.

Submission:

Labcorp Genetics (formerly Invitae), Labcorp
Classification: Uncertain significance for Orofaciodigital syndrome I; Joubert syndrome. Last evaluated: 2021-08-11. Review status: criteria provided, single submitter. Criteria: Invitae Variant Classification Sherloc (09022015). Collection method: clinical testing. Allele origin: germline.
Comment: This sequence change replaces lysine with glutamic acid at codon 37 of the OFD1 protein (p.Lys37Glu). The lysine residue is highly conserved and there is a small physicochemical difference between lysine and glutamic acid. This variant is not present in population databases (ExAC no frequency). This variant has not been reported in the literature in individuals affected with OFD1-related conditions. Algorithms developed to predict the effect of missense changes on protein structure and function are either unavailable or do not agree on the potential impact of this missense change (SIFT: "Deleterious"; PolyPhen-2: "Probably Damaging"; Align-GVGD: "Class C0"). In summary, the available evidence is currently insufficient to determine the role of this variant in disease. Therefore, it has been classified as a Variant of Uncertain Significance.